The following continues an entry in ClinVar:

NM_001376571.1(MADD):c.2296C>T (p.Arg766Ter)

Gene: MADD. ClinVar aggregate classification (germline): Benign.

Submissions 32 to 73 of 73:

Dr. Peter K. Rogan Lab, Western University
No classification provided (evidence only). Condition: Colorectal cancer. Review status: no classification provided. Collection method: in vitro. Allele origin: not applicable. Functional consequence: retained intron. Not counted in ClinVar's aggregate classification.

Dr. Peter K. Rogan Lab, Western University
No classification provided (evidence only). Condition: Uterine corpus endometrial carcinoma. Review status: no classification provided. Collection method: in vitro. Allele origin: not applicable. Functional consequence: retained intron. Not counted in ClinVar's aggregate classification.

Dr. Peter K. Rogan Lab, Western University
No classification provided (evidence only). Condition: Uterine corpus endometrial carcinoma. Review status: no classification provided. Collection method: in vitro. Allele origin: not applicable. Functional consequence: retained intron. Not counted in ClinVar's aggregate classification.

Dr. Peter K. Rogan Lab, Western University
No classification provided (evidence only). Condition: Uterine corpus endometrial carcinoma. Review status: no classification provided. Collection method: in vitro. Allele origin: not applicable. Functional consequence: retained intron. Not counted in ClinVar's aggregate classification.

Dr. Peter K. Rogan Lab, Western University
No classification provided (evidence only). Condition: Uterine corpus endometrial carcinoma. Review status: no classification provided. Collection method: in vitro. Allele origin: not applicable. Functional consequence: retained intron. Not counted in ClinVar's aggregate classification.

Dr. Peter K. Rogan Lab, Western University
No classification provided (evidence only). Condition: Uterine corpus endometrial carcinoma. Review status: no classification provided. Collection method: in vitro. Allele origin: not applicable. Functional consequence: retained intron. Not counted in ClinVar's aggregate classification.

Dr. Peter K. Rogan Lab, Western University
No classification provided (evidence only). Condition: Uterine corpus endometrial carcinoma. Review status: no classification provided. Collection method: in vitro. Allele origin: not applicable. Functional consequence: retained intron. Not counted in ClinVar's aggregate classification.

Dr. Peter K. Rogan Lab, Western University
No classification provided (evidence only). Condition: Malignant lymphoma, large B-cell, diffuse. Review status: no classification provided. Collection method: in vitro. Allele origin: not applicable. Functional consequence: retained intron. Not counted in ClinVar's aggregate classification.

Dr. Peter K. Rogan Lab, Western University
No classification provided (evidence only). Condition: Malignant lymphoma, large B-cell, diffuse. Review status: no classification provided. Collection method: in vitro. Allele origin: not applicable. Functional consequence: retained intron. Not counted in ClinVar's aggregate classification.

Dr. Peter K. Rogan Lab, Western University
No classification provided (evidence only). Condition: Malignant lymphoma, large B-cell, diffuse. Review status: no classification provided. Collection method: in vitro. Allele origin: not applicable. Functional consequence: retained intron. Not counted in ClinVar's aggregate classification.

Dr. Peter K. Rogan Lab, Western University
No classification provided (evidence only). Condition: Malignant lymphoma, large B-cell, diffuse. Review status: no classification provided. Collection method: in vitro. Allele origin: not applicable. Functional consequence: retained intron. Not counted in ClinVar's aggregate classification.

Dr. Peter K. Rogan Lab, Western University
No classification provided (evidence only). Condition: Hepatocellular carcinoma. Review status: no classification provided. Collection method: in vitro. Allele origin: not applicable. Functional consequence: retained intron. Not counted in ClinVar's aggregate classification.

Dr. Peter K. Rogan Lab, Western University
No classification provided (evidence only). Condition: Hepatocellular carcinoma. Review status: no classification provided. Collection method: in vitro. Allele origin: not applicable. Functional consequence: retained intron. Not counted in ClinVar's aggregate classification.

Dr. Peter K. Rogan Lab, Western University
No classification provided (evidence only). Condition: Hepatocellular carcinoma. Review status: no classification provided. Collection method: in vitro. Allele origin: not applicable. Functional consequence: retained intron. Not counted in ClinVar's aggregate classification.

Dr. Peter K. Rogan Lab, Western University
No classification provided (evidence only). Condition: Hepatocellular carcinoma. Review status: no classification provided. Collection method: in vitro. Allele origin: not applicable. Functional consequence: retained intron. Not counted in ClinVar's aggregate classification.

Dr. Peter K. Rogan Lab, Western University
No classification provided (evidence only). Condition: Hepatocellular carcinoma. Review status: no classification provided. Collection method: in vitro. Allele origin: not applicable. Functional consequence: retained intron. Not counted in ClinVar's aggregate classification.

Dr. Peter K. Rogan Lab, Western University
No classification provided (evidence only). Condition: Hepatocellular carcinoma. Review status: no classification provided. Collection method: in vitro. Allele origin: not applicable. Functional consequence: retained intron. Not counted in ClinVar's aggregate classification.

Dr. Peter K. Rogan Lab, Western University
No classification provided (evidence only). Condition: Thymoma. Review status: no classification provided. Collection method: in vitro. Allele origin: not applicable. Functional consequence: retained intron. Not counted in ClinVar's aggregate classification.

Dr. Peter K. Rogan Lab, Western University
No classification provided (evidence only). Condition: Thymoma. Review status: no classification provided. Collection method: in vitro. Allele origin: not applicable. Functional consequence: retained intron. Not counted in ClinVar's aggregate classification.

Dr. Peter K. Rogan Lab, Western University
No classification provided (evidence only). Condition: Thymoma. Review status: no classification provided. Collection method: in vitro. Allele origin: not applicable. Functional consequence: retained intron. Not counted in ClinVar's aggregate classification.

Dr. Peter K. Rogan Lab, Western University
No classification provided (evidence only). Condition: Thymoma. Review status: no classification provided. Collection method: in vitro. Allele origin: not applicable. Functional consequence: retained intron. Not counted in ClinVar's aggregate classification.

Dr. Peter K. Rogan Lab, Western University
No classification provided (evidence only). Condition: Thymoma. Review status: no classification provided. Collection method: in vitro. Allele origin: not applicable. Functional consequence: retained intron. Not counted in ClinVar's aggregate classification.

Dr. Peter K. Rogan Lab, Western University
No classification provided (evidence only). Condition: Thymoma. Review status: no classification provided. Collection method: in vitro. Allele origin: not applicable. Functional consequence: retained intron. Not counted in ClinVar's aggregate classification.

Dr. Peter K. Rogan Lab, Western University
No classification provided (evidence only). Condition: Thymoma. Review status: no classification provided. Collection method: in vitro. Allele origin: not applicable. Functional consequence: retained intron. Not counted in ClinVar's aggregate classification.

Dr. Peter K. Rogan Lab, Western University
No classification provided (evidence only). Condition: Thymoma. Review status: no classification provided. Collection method: in vitro. Allele origin: not applicable. Functional consequence: retained intron. Not counted in ClinVar's aggregate classification.

Dr. Peter K. Rogan Lab, Western University
No classification provided (evidence only). Condition: Thymoma. Review status: no classification provided. Collection method: in vitro. Allele origin: not applicable. Functional consequence: retained intron. Not counted in ClinVar's aggregate classification.

Dr. Peter K. Rogan Lab, Western University
No classification provided (evidence only). Condition: Cholangiocarcinoma. Review status: no classification provided. Collection method: in vitro. Allele origin: not applicable. Functional consequence: retained intron. Not counted in ClinVar's aggregate classification.

Dr. Peter K. Rogan Lab, Western University
No classification provided (evidence only). Condition: Cholangiocarcinoma. Review status: no classification provided. Collection method: in vitro. Allele origin: not applicable. Functional consequence: retained intron. Not counted in ClinVar's aggregate classification.

Dr. Peter K. Rogan Lab, Western University
No classification provided (evidence only). Condition: Cholangiocarcinoma. Review status: no classification provided. Collection method: in vitro. Allele origin: not applicable. Functional consequence: retained intron. Not counted in ClinVar's aggregate classification.

Dr. Peter K. Rogan Lab, Western University
No classification provided (evidence only). Condition: Cholangiocarcinoma. Review status: no classification provided. Collection method: in vitro. Allele origin: not applicable. Functional consequence: retained intron. Not counted in ClinVar's aggregate classification.

Dr. Peter K. Rogan Lab, Western University
No classification provided (evidence only). Condition: Cholangiocarcinoma. Review status: no classification provided. Collection method: in vitro. Allele origin: not applicable. Functional consequence: retained intron. Not counted in ClinVar's aggregate classification.

Dr. Peter K. Rogan Lab, Western University
No classification provided (evidence only). Condition: Adrenocortical carcinoma, hereditary. Review status: no classification provided. Collection method: in vitro. Allele origin: not applicable. Functional consequence: retained intron. Not counted in ClinVar's aggregate classification.

Dr. Peter K. Rogan Lab, Western University
No classification provided (evidence only). Condition: Uveal melanoma. Review status: no classification provided. Collection method: in vitro. Allele origin: not applicable. Functional consequence: retained intron. Not counted in ClinVar's aggregate classification.

Dr. Peter K. Rogan Lab, Western University
No classification provided (evidence only). Condition: Uveal melanoma. Review status: no classification provided. Collection method: in vitro. Allele origin: not applicable. Functional consequence: retained intron. Not counted in ClinVar's aggregate classification.

Dr. Peter K. Rogan Lab, Western University
No classification provided (evidence only). Condition: Uveal melanoma. Review status: no classification provided. Collection method: in vitro. Allele origin: not applicable. Functional consequence: retained intron. Not counted in ClinVar's aggregate classification.

Dr. Peter K. Rogan Lab, Western University
No classification provided (evidence only). Condition: Uveal melanoma. Review status: no classification provided. Collection method: in vitro. Allele origin: not applicable. Functional consequence: retained intron. Not counted in ClinVar's aggregate classification.

Dr. Peter K. Rogan Lab, Western University
No classification provided (evidence only). Condition: Uveal melanoma. Review status: no classification provided. Collection method: in vitro. Allele origin: not applicable. Functional consequence: retained intron. Not counted in ClinVar's aggregate classification.

Dr. Peter K. Rogan Lab, Western University
No classification provided (evidence only). Condition: Uveal melanoma. Review status: no classification provided. Collection method: in vitro. Allele origin: not applicable. Functional consequence: retained intron. Not counted in ClinVar's aggregate classification.

Dr. Peter K. Rogan Lab, Western University
No classification provided (evidence only). Condition: Uveal melanoma. Review status: no classification provided. Collection method: in vitro. Allele origin: not applicable. Functional consequence: retained intron. Not counted in ClinVar's aggregate classification.

Dr. Peter K. Rogan Lab, Western University
No classification provided (evidence only). Condition: Uveal melanoma. Review status: no classification provided. Collection method: in vitro. Allele origin: not applicable. Functional consequence: retained intron. Not counted in ClinVar's aggregate classification.

Dr. Peter K. Rogan Lab, Western University
No classification provided (evidence only). Condition: Lymphoma. Review status: no classification provided. Collection method: in vitro. Allele origin: not applicable. Functional consequence: retained intron. Not counted in ClinVar's aggregate classification.

Dr. Peter K. Rogan Lab, Western University
No classification provided (evidence only). Condition: Lymphoma. Review status: no classification provided. Collection method: in vitro. Allele origin: not applicable. Functional consequence: retained intron. Not counted in ClinVar's aggregate classification.